The following is an entry in ClinVar:

ClinVar aggregate classification (germline): Pathogenic (0 of 4 stars; one submission).

Conditions:
Breast-ovarian cancer, familial, susceptibility to, 1 (BROVCA1). Also called: BRCA1 Hereditary Breast and Ovarian Cancer; OVARIAN CANCER, SUSCEPTIBILITY TO. Identifiers: Orphanet 145, MedGen C2676676, MONDO:0011450, OMIM 604370. Disease mechanism: loss of function.

Submission:

Department of Pathology and Laboratory Medicine, Sinai Health System
Classification: Pathogenic for Breast-ovarian cancer, familial, susceptibility to, 1. Review status: no assertion criteria provided. Collection method: clinical testing. Allele origin: unknown. Affected: yes. Observed: 1 variant allele. Study: The Canadian Open Genetics Repository (COGR).
Comment: The BRCA1 c.81-?_134+?del deletion variant is predicted to cause an in-frame deletion of exon 3 and result in a premature stop codon at position 27; although the precise breakpoints of this deletion were not determined, nor was the resulting effect on the resulting mRNA or protein product. Deletions of BRCA1 exon 3 were identified in the literature in 3 of 1404 proband chromosomes (frequency: 0.002) from individuals undergoing genetic counselling, or who had ovarian or breast cancer (Staaf 2008, Walsh 2011, Woodward 2005). Exon 3 deletions were also identified in HGMD and UMD (7X as a causal variant). A tumour from an individual positive for the variant showed loss of heterozygosity (Walsh 2011), and the variant was found to co-segregate with cancer in a family (Woodward 2005), both of which increase the likelihood that this is a pathogenic mutation. The variant is predicted to result in a truncated or absent protein and loss of function. Loss of function variants of the BRCA1 gene are an established mechanism of disease in hereditary breast and ovarian cancer and is the type of variant expected to cause the disorder. In summary, based on the above information, this variant meets our laboratoryâ€šÃ„Ã´s criteria to be classified as pathogenic.

NM_007294.4(BRCA1):c.81-1_134+2del

Gene: BRCA1 (BRCA1 DNA repair associated; minus strand). Cytogenetic location: 17q21.31.
Variant type: Deletion.
Coding change: c.81-1_134+2del on transcript NM_007294.4 (MANE Select); the canonical splice acceptor site of the intron before coding-DNA position 81 through the canonical splice donor site of the intron after coding-DNA position 134, 57 bases deleted.
Molecular consequence: splice acceptor variant, splice donor variant. On other transcripts: intron variant (41).
Genome position (GRCh38, 1-based): chr17:43,115,724-43,115,780, 57 bases deleted. GRCh37 (hg19): chr17:41,267,741-41,267,797.
Other names: c.-61-1_-8+2del (NM_001408458.1, NM_001408470.1, NM_001407848.1 and 47 more transcripts); c.-219+9497_-219+9553del (NM_001407967.1); c.-170+9497_-170+9553del (NM_001407959.1); c.-7-9247_-7-9191del (NM_001407931.1, NM_001407747.1, NM_001408511.1 and 2 more transcripts); c.-223-1_-170+2del (NM_001407962.1, NM_001408512.1, NM_001408510.1 and 1 more transcripts); c.-108-1_-55+2del (NM_001407885.1, NM_001407886.1, NM_001408509.1 and 52 more transcripts); c.-177-1_-124+2del (NM_001407746.1, NM_001408468.1, NM_001407842.1 and 13 more transcripts); c.-8+8237_-8+8293del (NM_001408461.1, NM_001407738.1, NM_001407932.1 and 23 more transcripts); and 10 more.
Identifiers: ClinVar variation 1049380 (VCV001049380.2), dbSNP rs2154565293, ClinGen allele CA2499224631.